The following is an entry in ClinVar:

ClinVar aggregate classification (germline): Pathogenic (1 of 4 stars; one submission).

Conditions:
Hereditary cancer-predisposing syndrome. Also called: Hereditary Cancer Syndrome; Hereditary neoplastic syndrome; Neoplastic Syndromes, Hereditary; Tumor predisposition. Identifiers: Orphanet 140162, MedGen C0027672, MeSH D009386, MONDO:0015356.

Submission:

Ambry Genetics
Classification: Pathogenic for Hereditary cancer-predisposing syndrome. Last evaluated: 2019-11-20. Review status: criteria provided, single submitter. Criteria: Ambry Variant Classification Scheme 2023. Collection method: clinical testing. Allele origin: germline.
Comment: The c.953delG pathogenic mutation, located in coding exon 8 of the CHEK2 gene, results from a deletion of one nucleotide at nucleotide position 953, causing a translational frameshift with a predicted alternate stop codon (p.R318Pfs*2). This alteration is expected to result in loss of function by premature protein truncation or nonsense-mediated mRNA decay. As such, this alteration is interpreted as a disease-causing mutation.

NM_007194.4(CHEK2):c.953del (p.Arg318fs)

Gene: CHEK2 (checkpoint kinase 2; minus strand). Cytogenetic location: 22q12.1.
Variant type: Deletion.
Coding change: c.953del on transcript NM_007194.4 (MANE Select); coding-DNA position 953, one base deleted (G; older notation c.953delG).
Protein change: p.Arg318fs; shifts the reading frame from arginine 318.
Molecular consequence: frameshift variant.
Genome position (GRCh38, 1-based): chr22:28,699,893, C deleted on the plus strand (G on the coding strand, the reverse complement: CHEK2 is on the minus strand). VCF-style (leftmost placement, unchanged base first): chr22-28699892-GC-G. GRCh37 (hg19) VCF-style: chr22-29095880-GC-G.
Other names: c.1082delG, p.Arg361Profs (NM_001005735.3); c.290delG, p.Arg97Profs (NM_001257387.3); c.752delG, p.Arg251Profs (NM_001349956.3); c.953delG, p.Arg318Profs (NM_145862.3); short protein forms R251fs, R318fs, R97fs, R361fs.
Identifiers: ClinVar variation 1767309 (VCV001767309.2), dbSNP rs2517849432, ClinGen allele CA2580099588.